The following is an entry in ClinVar:

NM_177972.3(TUB):c.869G>A (p.Arg290His)

Genes: RIC3 (RIC3 acetylcholine receptor chaperone; minus strand), TUB (TUB bipartite transcription factor; plus strand). Cytogenetic location: 11p15.4.
Variant type: single nucleotide variant.
Coding change: c.869G>A on transcript NM_177972.3 (MANE Select); coding-DNA position 869, G replaced by A.
Protein change: p.Arg290His; replaces arginine 290 with histidine.
Molecular consequence: missense variant.
Genome position (GRCh38, 1-based): chr11:8,097,409, G>A. VCF-style: chr11-8097409-G-A. GRCh37 (hg19) VCF-style: chr11-8118956-G-A.
Other names: c.1034G>A (NM_003320.4); c.1034G>A, p.Arg345His (NM_003320.5); short protein forms R290H, R345H.
Identifiers: ClinVar variation 1899875 (VCV001899875.6), dbSNP rs557127956, ClinGen allele CA5871247.

ClinVar aggregate classification (germline): Uncertain significance. Review status: criteria provided, multiple submitters, no conflicts (2 of 4 stars). 2 submissions from 2 submitters: Uncertain significance (2). Last evaluated 2024-12-16.

Conditions:
TUB-related disorder. Also called: TUB-related condition.

Allele frequency attached by ClinVar (database versions not stated): gnomAD 0.00001.
gnomAD v4.1: 12 of 1,614,100 alleles (0.00074%); highest among the groups gnomAD compares: East Asian, 0.0022%; no homozygotes.

Submissions (2):

PreventionGenetics, part of Exact Sciences
Classification: Uncertain significance for TUB-related condition. Last evaluated: 2024-12-16. Review status: criteria provided, single submitter. Criteria: ACMG Guidelines, 2015. Collection method: clinical testing. Allele origin: germline.
Comment: The TUB c.1034G>A variant is predicted to result in the amino acid substitution p.Arg345His. To our knowledge, this variant has not been reported in the literature. This variant is reported in 0.0050% of alleles in individuals of East Asian descent in gnomAD. At this time, the clinical significance of this variant is uncertain due to the absence of conclusive functional and genetic evidence.

Labcorp Genetics (formerly Invitae), Labcorp
Classification: Uncertain significance. Last evaluated: 2023-12-07. Review status: criteria provided, single submitter. Criteria: Invitae Variant Classification Sherloc (09022015). Collection method: clinical testing. Allele origin: germline.
Comment: This sequence change replaces arginine, which is basic and polar, with histidine, which is basic and polar, at codon 345 of the TUB protein (p.Arg345His). This variant is present in population databases (rs557127956, gnomAD 0.005%). This variant has not been reported in the literature in individuals affected with TUB-related conditions. ClinVar contains an entry for this variant (Variation ID: 1899875). An algorithm developed to predict the effect of missense changes on protein structure and function (PolyPhen-2) suggests that this variant is likely to be disruptive. In summary, the available evidence is currently insufficient to determine the role of this variant in disease. Therefore, it has been classified as a Variant of Uncertain Significance.